The following is an entry in ClinVar:

NM_177972.3(TUB):c.-5G>A

Gene: TUB (TUB bipartite transcription factor; plus strand). Cytogenetic location: 11p15.4.
Variant type: single nucleotide variant.
Coding change: c.-5G>A on transcript NM_177972.3 (MANE Select); 5 bases upstream of the start codon, G replaced by A.
Molecular consequence: 5 prime UTR variant. On other transcripts: intron variant (1).
Genome position (GRCh38, 1-based): chr11:8,081,506, G>A. VCF-style: chr11-8081506-G-A. GRCh37 (hg19) VCF-style: chr11-8103053-G-A.
Other names: c.204-8104G>A (NM_003320.5).
Identifiers: ClinVar variation 3040862 (VCV003040862.2), dbSNP rs1195810655, ClinGen allele CA597320695.

ClinVar aggregate classification (germline): Likely benign (0 of 4 stars; one submission).

Conditions:
TUB-related disorder. Also called: TUB-related condition.

Allele frequency attached by ClinVar (database versions not stated): gnomAD exomes 0.00001; gnomAD 0.00009; TOPMed 0.00009.
gnomAD v4.1: 31 of 1,541,416 alleles (0.002%); highest among the groups gnomAD compares: African/African-American, 0.04%; no homozygotes.

Submission:

PreventionGenetics, part of Exact Sciences
Classification: Likely benign for TUB-related condition. Last evaluated: 2021-06-24. Review status: no assertion criteria provided. Collection method: clinical testing. Allele origin: germline.
Comment: This variant is classified as likely benign based on ACMG/AMP sequence variant interpretation guidelines (Richards et al. 2015 PMID: 25741868, with internal and published modifications).